The following is an entry in ClinVar:

ClinVar aggregate classification (germline): Uncertain significance (1 of 4 stars; one submission).

Conditions:
Perlman syndrome (PRLMNS). Identifiers: Orphanet 2849, MedGen C0796113, MONDO:0009965, OMIM 267000.

Submission:

Labcorp Genetics (formerly Invitae), Labcorp
Classification: Uncertain significance for Perlman syndrome. Last evaluated: 2021-10-31. Review status: criteria provided, single submitter. Criteria: Invitae Variant Classification Sherloc (09022015). Collection method: clinical testing. Allele origin: germline.
Comment: In summary, the available evidence is currently insufficient to determine the role of this variant in disease. Therefore, it has been classified as a Variant of Uncertain Significance. Algorithms developed to predict the effect of sequence changes on RNA splicing suggest that this variant may create or strengthen a splice site. This variant has not been reported in the literature in individuals affected with DIS3L2-related conditions. This variant is present in population databases (no rsID available, gnomAD 0.006%). This sequence change falls in intron 16 of the DIS3L2 gene. It does not directly change the encoded amino acid sequence of the DIS3L2 protein.

NM_152383.5(DIS3L2):c.2010+16_2010+37dup

Gene: DIS3L2 (DIS3 like 3'-5' exoribonuclease 2; plus strand). Cytogenetic location: 2q37.1.
Variant type: Duplication.
Coding change: c.2010+16_2010+37dup on transcript NM_152383.5 (MANE Select); bases 16 to 37 of the intron after coding-DNA position 2010, 22 bases duplicated (CCCCGGCCTCCCCTGCTCCCAG).
Molecular consequence: intron variant.
Genome position (GRCh38, 1-based): chr2:232,330,792-232,330,813, CCCCGGCCTCCCCTGCTCCCAG duplicated; duplicating any 22 consecutive bases within chr2:232,330,787-232,330,813 gives the same sequence; the c. name uses the placement nearest the transcript's 3' end. VCF-style (leftmost placement, unchanged base first): chr2-232330786-G-GCCCAGCCCCGGCCTCCCCTGCT. GRCh37 (hg19) VCF-style: chr2-233195496-G-GCCCAGCCCCGGCCTCCCCTGCT.
Other names: c.1582-12553_1582-12532dup (NM_001257281.2).
Identifiers: ClinVar variation 1390417 (VCV001390417.6), dbSNP rs1559216858, ClinGen allele CA539981553.